The following is an entry in ClinVar:

ClinVar aggregate classification (germline): Uncertain significance (1 of 4 stars; one submission).

Allele frequency attached by ClinVar (database versions not stated): ExAC 0.00001.
gnomAD v4.1: 1 of 1,613,620 alleles (0.000062%); highest among the groups gnomAD compares: South Asian, 0.0011%; no homozygotes.

Submission:

GeneDx
Classification: Uncertain significance. Last evaluated: 2023-02-27. Review status: criteria provided, single submitter. Criteria: GeneDx Variant Classification Process June 2021. Collection method: clinical testing. Allele origin: germline. Affected: yes.
Comment: Not observed at significant frequency in large population cohorts (gnomAD); In silico analysis supports that this missense variant does not alter protein structure/function; Has not been previously published as pathogenic or benign to our knowledge

NM_001148.6(ANK2):c.11053G>C (p.Glu3685Gln)

Gene: ANK2 (ankyrin 2; plus strand). Cytogenetic location: 4q26.
Variant type: single nucleotide variant.
Coding change: c.11053G>C on transcript NM_001148.6 (MANE Select); coding-DNA position 11053, G replaced by C.
Protein change: p.Glu3685Gln; replaces glutamic acid 3685 with glutamine.
Molecular consequence: missense variant.
Genome position (GRCh38, 1-based): chr4:113,367,586, G>C. VCF-style: chr4-113367586-G-C. GRCh37 (hg19) VCF-style: chr4-114288742-G-C.
Other names: c.2326G>C, p.Glu776Gln (NM_001354278.2, NM_001354281.2); c.2362G>C, p.Glu788Gln (NM_001354279.2, NM_001354282.2); c.2347G>C, p.Glu783Gln (NM_001354280.2); c.10819G>C, p.Glu3607Gln (NM_001386142.1); c.4735G>C, p.Glu1579Gln (NM_001386143.1, NM_001354243.2, NM_001354255.2); c.4843G>C, p.Glu1615Gln (NM_001386144.1, NM_001354240.2, NM_001354241.2); c.4579G>C, p.Glu1527Gln (NM_001386146.1, NM_001386149.1, NM_001386150.1 and 1 more transcripts); c.4624G>C, p.Glu1542Gln (NM_001386147.1); and 35 more; short protein forms E1439Q, E1472Q, E1500Q, E1505Q, E1513Q, E1522Q, E1525Q, E1527Q.
Identifiers: ClinVar variation 2577795 (VCV002577795.1), dbSNP rs772824755, ClinGen allele CA3052224.
Genomic context (GRCh38, chr4:113,367,586, plus strand): 5'-GGTAAGCTTCAACTAAATACTTAAATCATTCTGCCTTTAGGGTTCTCGGTACTTCAAGAG[G>C]AGTTATGCACTGCACAGCACAAGCAGAAAGAGGAGCAAGCTGTTTCTAAAGAAAGTGAGA-3'
Protein context (NP_001139.3, residues 3675-3695): HSEGFSVLQE[Glu3685Gln]LCTAQHKQKE